The following is an entry in ClinVar:

ClinVar aggregate classification (germline): Pathogenic (1 of 4 stars; one submission).

Conditions:
Hereditary cancer-predisposing syndrome. Also called: Hereditary neoplastic syndrome; Tumor predisposition; Neoplastic Syndromes, Hereditary; Hereditary Cancer Syndrome. Identifiers: Orphanet 140162, MedGen C0027672, MeSH D009386, MONDO:0015356.

Submission:

Labcorp Genetics (formerly Invitae), Labcorp
Classification: Pathogenic for Hereditary cancer-predisposing syndrome. Last evaluated: 2021-09-29. Review status: criteria provided, single submitter. Criteria: Invitae Variant Classification Sherloc (09022015). Collection method: clinical testing. Allele origin: germline.
Comment: For these reasons, this variant has been classified as Pathogenic. Loss-of-function variants in RAD50 are known to be pathogenic (PMID: 16385572, 19409520). This variant has not been reported in the literature in individuals with RAD50-related conditions. This variant is not present in population databases (ExAC no frequency). This sequence change creates a premature translational stop signal (p.Leu528*) in the RAD50 gene. It is expected to result in an absent or disrupted protein product.

Literature cited by the submitters: PubMed 16385572; PubMed 19409520.

NM_005732.4(RAD50):c.1583T>G (p.Leu528Ter)

Gene: RAD50 (RAD50 double strand break repair protein; plus strand). Cytogenetic location: 5q31.1.
Variant type: single nucleotide variant.
Coding change: c.1583T>G on transcript NM_005732.4 (MANE Select); coding-DNA position 1583, T replaced by G.
Protein change: p.Leu528Ter; replaces leucine 528 with a stop codon.
Molecular consequence: nonsense.
Genome position (GRCh38, 1-based): chr5:132,591,354, T>G. VCF-style: chr5-132591354-T-G. GRCh37 (hg19) VCF-style: chr5-131927046-T-G.
Other names: short protein forms L528*.
Identifiers: ClinVar variation 957073 (VCV000957073.8), dbSNP rs1750696028, ClinGen allele CA360946012.